The following is an entry in ClinVar:

NM_138927.4(SON):c.1568A>G (p.Glu523Gly)

Gene: SON (SON DNA and RNA binding protein; plus strand). Cytogenetic location: 21q22.11.
Variant type: single nucleotide variant.
Coding change: c.1568A>G on transcript NM_138927.4 (MANE Select); coding-DNA position 1568, A replaced by G.
Protein change: p.Glu523Gly; replaces glutamic acid 523 with glycine.
Molecular consequence: missense variant. On other transcripts: non-coding transcript variant (1), intron variant (1).
Genome position (GRCh38, 1-based): chr21:33,550,799, A>G. VCF-style: chr21-33550799-A-G. GRCh37 (hg19) VCF-style: chr21-34923105-A-G.
Other names: c.1568A>G, p.Glu523Gly (NM_001291411.2, NM_032195.3); c.244+4420A>G (NM_001291412.3); short protein forms E523G.
Identifiers: ClinVar variation 1028930 (VCV001028930.1), dbSNP rs2085757885, ClinGen allele CA410154424.

ClinVar aggregate classification (germline): Uncertain significance (1 of 4 stars; one submission).

Conditions:
ZTTK syndrome (ZTTKS). Also called: ZTTK MULTIPLE CONGENITAL ANOMALIES-MENTAL RETARDATION SYNDROME; Zhu-Tokita-Takenouchi-Kim Syndrome. Identifiers: Orphanet 500150, MedGen C4310696, MONDO:0014936, OMIM 617140.

Submission:

Baylor Genetics
Classification: Uncertain significance for ZTTK syndrome. Last evaluated: 2020-06-03. Review status: criteria provided, single submitter. Criteria: ACMG Guidelines, 2015. Collection method: clinical testing. Allele origin: unknown. Affected: yes.
Comment: This variant was determined to be of uncertain significance according to ACMG Guidelines, 2015 [PMID:25741868].